The following is an entry in ClinVar:

NM_003235.5(TG):c.48G>A (p.Trp16Ter)

Gene: TG (thyroglobulin; plus strand). Cytogenetic location: 8q24.22.
Variant type: single nucleotide variant.
Coding change: c.48G>A on transcript NM_003235.5 (MANE Select); coding-DNA position 48, G replaced by A.
Protein change: p.Trp16Ter; replaces tryptophan 16 with a stop codon.
Molecular consequence: nonsense.
Genome position (GRCh38, 1-based): chr8:132,867,048, G>A. VCF-style: chr8-132867048-G-A. GRCh37 (hg19) VCF-style: chr8-133879293-G-A.
Other names: short protein forms W16*.
Identifiers: ClinVar variation 915466 (VCV000915466.2), dbSNP rs780846892, ClinGen allele CA4882765.

ClinVar aggregate classification (germline): Pathogenic (0 of 4 stars; one submission).

Conditions:
Iodotyrosyl coupling defect (TDH3). Also called: HYPOTHYROIDISM, CONGENITAL, DUE TO DYSHORMONOGENESIS, 3; THYROID HORMONOGENESIS, GENETIC DEFECT IN, 3. Identifiers: Orphanet 95716, MedGen C0342194, MONDO:0010135, OMIM 274700.

Allele frequency attached by ClinVar (database versions not stated): gnomAD exomes below 0.00001; gnomAD 0.00001; TOPMed 0.00001; ExAC 0.00002.
gnomAD v4.1: 2 of 1,600,788 alleles (0.00012%); highest among the groups gnomAD compares: Admixed American, 0.0034%; no homozygotes.

Submission:

Department of Pediatrics, Division of Medical Genetics, Faculty of Medicine Ramathibodi Hospital, Mahidol University
Classification: Pathogenic for Iodotyrosyl coupling defect. Last evaluated: 2020-05-14. Review status: no assertion criteria provided. Collection method: research. Allele origin: maternal. Inheritance: Autosomal recessive inheritance. Affected: yes. Observed: 1 compound heterozygote.